The following is an entry in ClinVar:

NM_025074.7(FRAS1):c.11264C>T (p.Pro3755Leu)

Gene: FRAS1 (Fraser extracellular matrix complex subunit 1; plus strand). Cytogenetic location: 4q21.21.
Variant type: single nucleotide variant.
Coding change: c.11264C>T on transcript NM_025074.7 (MANE Select); coding-DNA position 11264, C replaced by T.
Protein change: p.Pro3755Leu; replaces proline 3755 with leucine.
Molecular consequence: missense variant.
Genome position (GRCh38, 1-based): chr4:78,537,166, C>T. VCF-style: chr4-78537166-C-T. GRCh37 (hg19) VCF-style: chr4-79458320-C-T.
Other names: short protein forms P3755L.
Identifiers: ClinVar variation 287853 (VCV000287853.24), dbSNP rs199510509, ClinGen allele CA2979180.
Genomic context (GRCh38, chr4:78,537,166, plus strand): 5'-CTTTCTTTGATCCCACGGGGACAATCTACAATGAAGGGCCCCAGTATGGATGCATTCAGC[C>T]AAACAAACACCTAAAACACAGATTCCTGCTGTTGGTATGCTAAGTTCTCACTATTAGTGT-3'
Protein context (NP_079350.5, residues 3745-3765): NEGPQYGCIQ[Pro3755Leu]NKHLKHRFLL

ClinVar aggregate classification (germline): Conflicting classifications of pathogenicity. Review status: criteria provided, conflicting classifications (1 of 4 stars). 9 submissions from 9 submitters: Uncertain significance (5); Likely benign (2). 2 of the submissions do not count toward it. Last evaluated 2026-10-07.

Conditions:
Fraser syndrome 1 (FRASRS1). Also called: CRYPTOPHTHALMOS WITH OTHER MALFORMATIONS. Identifiers: Orphanet 2052, MedGen C4551480, MONDO:0054737, OMIM 219000.
FRAS1-related disorder. Also called: FRAS1-related condition.

Allele frequency attached by ClinVar (database versions not stated): 1000 Genomes Project 30x 0.00016; 1000 Genomes Project 0.00020; ExAC 0.00096; gnomAD exomes 0.00149 and 0.00092; gnomAD 0.00117 and 0.00133; TOPMed 0.00116; ESP Exome Variant Server 0.00133.
gnomAD v4.1: 2,323 of 1,613,940 alleles (0.14%); highest among the groups gnomAD compares: Non-Finnish European, 0.18%; 3 homozygotes.

Submissions (9):

GeneDx
Classification: Uncertain significance. Last evaluated: 2026-10-07. Review status: criteria provided, single submitter. Criteria: GeneDx Variant Classification Process June 2021. Collection method: clinical testing. Allele origin: germline.
Comment: Has not been previously published as pathogenic or benign in association with FRAS1-related Fraser syndrome to our knowledge; In silico analysis supports that this missense variant has a deleterious effect on protein structure/function; This variant is associated with the following publications: (PMID: 36282544)

Labcorp Genetics (formerly Invitae), Labcorp
Classification: Likely benign. Last evaluated: 2026-01-22. Review status: criteria provided, single submitter. Criteria: Invitae Variant Classification Sherloc (09022015). Collection method: clinical testing. Allele origin: germline.

Blueprint Genetics
Classification: Likely benign. Last evaluated: 2024-11-20. Review status: criteria provided, single submitter. Criteria: ACMG Guidelines, 2015. Collection method: clinical testing. Allele origin: germline.

Department of Pathology and Laboratory Medicine, Sinai Health System
Classification: Uncertain significance for Fraser syndrome 1. Last evaluated: 2020-06-01. Review status: criteria provided, single submitter. Criteria: ACMG Guidelines, 2015. Collection method: research. Allele origin: germline.

Fulgent Genetics
Classification: Uncertain significance for Fraser syndrome 1. Last evaluated: 2018-10-31. Review status: criteria provided, single submitter. Criteria: ACMG Guidelines, 2015. Collection method: clinical testing. Allele origin: unknown.

Illumina Laboratory Services, Illumina
Classification: Uncertain significance for Fraser syndrome 1. Last evaluated: 2018-01-12. Review status: criteria provided, single submitter. Criteria: ICSL Variant Classification Criteria 13 December 2019. Collection method: clinical testing. Allele origin: germline.

Eurofins Ntd Llc (ga)
Classification: Uncertain significance. Last evaluated: 2016-05-26. Review status: criteria provided, single submitter. Criteria: EGL Classification Definitions 2015. Collection method: clinical testing. Allele origin: germline. Observed: 1 variant allele, 1 heterozygote.

PreventionGenetics, part of Exact Sciences
Classification: Likely benign for FRAS1-related condition. Last evaluated: 2024-07-19. Review status: no assertion criteria provided. Collection method: clinical testing. Allele origin: germline. Not counted in ClinVar's aggregate classification.
Comment: This variant is classified as likely benign based on ACMG/AMP sequence variant interpretation guidelines (Richards et al. 2015 PMID: 25741868, with internal and published modifications).

Service de Biochimie Médicale et Biologie Moléculaire, CHU Clermont-Ferrand
Classification: Uncertain significance for Fraser syndrome 1. Last evaluated: 2018-09-14. Review status: no assertion criteria provided. Criteria: ACMG Guidelines, 2015. Collection method: clinical testing. Allele origin: inherited. Inheritance: Autosomal recessive inheritance. Affected: yes. Not counted in ClinVar's aggregate classification.